The following is an entry in ClinVar:

NM_001378454.1(ALMS1):c.10534A>G (p.Lys3512Glu)

Gene: ALMS1 (ALMS1 centrosome and basal body associated protein; plus strand). Cytogenetic location: 2p13.1.
Variant type: single nucleotide variant.
Coding change: c.10534A>G on transcript NM_001378454.1 (MANE Select); coding-DNA position 10534, A replaced by G.
Protein change: p.Lys3512Glu; replaces lysine 3512 with glutamic acid.
Molecular consequence: missense variant.
Genome position (GRCh38, 1-based): chr2:73,572,411, A>G. VCF-style: chr2-73572411-A-G. GRCh37 (hg19) VCF-style: chr2-73799538-A-G.
Other names: c.10537A>G, p.Lys3513Glu (NM_015120.4); short protein forms K3513E, K3512E.
Identifiers: ClinVar variation 1777698 (VCV001777698.2), dbSNP rs2466443441, ClinGen allele CA347283455.
Genomic context (GRCh38, chr2:73,572,411, plus strand): 5'-AGTGATCAAGATATTTGCCATGAATCTTTGGGAAAGAGTGTTTTCATGAGACATTCTTGG[A>G]AAGATTTCTTTCAGCATCATCCAGACAAACATAGAGAACACATGTGTCTTCCTCTTCCTT-3'
Protein context (NP_001365383.1, residues 3502-3522): GKSVFMRHSW[Lys3512Glu]DFFQHHPDKH

ClinVar aggregate classification (germline): Uncertain significance (1 of 4 stars; one submission).

Conditions:
Cardiovascular phenotype. Identifiers: MedGen CN230736.

Allele frequency attached by ClinVar (database versions not stated): gnomAD exomes below 0.00001.
gnomAD v4.1: 1 of 1,611,340 alleles (0.000062%); highest among the groups gnomAD compares: Non-Finnish European, 0.000085%; no homozygotes.

Submission:

Ambry Genetics
Classification: Uncertain significance for Cardiovascular phenotype. Last evaluated: 2020-05-28. Review status: criteria provided, single submitter. Criteria: Ambry Variant Classification Scheme 2023. Collection method: clinical testing. Allele origin: germline.
Comment: The p.K3513E variant (also known as c.10537A>G), located in coding exon 16 of the ALMS1 gene, results from an A to G substitution at nucleotide position 10537. The lysine at codon 3513 is replaced by glutamic acid, an amino acid with similar properties. This amino acid position is well conserved in available vertebrate species. In addition, this alteration is predicted to be tolerated by in silico analysis. Since supporting evidence is limited at this time, the clinical significance of this alteration remains unclear.